The following is an entry in ClinVar:

NM_012179.4(FBXO7):c.575_576del (p.Cys192fs)

Gene: FBXO7 (F-box protein 7; plus strand). Cytogenetic location: 22q12.3.
Variant type: Deletion.
Coding change: c.575_576del on transcript NM_012179.4 (MANE Select); coding-DNA positions 575 to 576, 2 bases deleted (GT; older notation c.575_576delGT).
Protein change: p.Cys192fs; shifts the reading frame from cysteine 192.
Molecular consequence: frameshift variant.
Genome position (GRCh38, 1-based): chr22:32,484,054-32,484,055, GT deleted; deleting any 2 consecutive bases within chr22:32,484,053-32,484,055 gives the same sequence; the c. name uses the placement nearest the transcript's 3' end. VCF-style (leftmost placement, unchanged base first): chr22-32484052-CTG-C. GRCh37 (hg19) VCF-style: chr22-32880039-CTG-C.
Other names: c.338_339del, p.Cys113fs (NM_001033024.2); c.233_234del, p.Cys78fs (NM_001257990.2); short protein forms C113fs, C192fs, C78fs.
Identifiers: ClinVar variation 2699868 (VCV002699868.3), dbSNP rs778770873, ClinGen allele CA10201456.

ClinVar aggregate classification (germline): Pathogenic (1 of 4 stars; one submission).

Conditions:
Parkinsonian-pyramidal syndrome. Also called: PARKINSON DISEASE 15, AUTOSOMAL RECESSIVE EARLY-ONSET; PARKINSON DISEASE 15, AUTOSOMAL RECESSIVE; PALLIDOPYRAMIDAL SYNDROME. Identifiers: Orphanet 171695, MedGen C1850100, MONDO:0009830, OMIM 260300.

Submission:

Labcorp Genetics (formerly Invitae), Labcorp
Classification: Pathogenic for Parkinsonian-pyramidal syndrome. Last evaluated: 2023-11-30. Review status: criteria provided, single submitter. Criteria: Invitae Variant Classification Sherloc (09022015). Collection method: clinical testing. Allele origin: germline.
Comment: This sequence change creates a premature translational stop signal (p.Cys192Phefs*2) in the FBXO7 gene. It is expected to result in an absent or disrupted protein product. Loss-of-function variants in FBXO7 are known to be pathogenic (PMID: 21347293). This variant is present in population databases (rs778770873, gnomAD 0.003%). This variant has not been reported in the literature in individuals affected with FBXO7-related conditions. For these reasons, this variant has been classified as Pathogenic.

Literature cited by the submitters: PubMed 21347293.